The following is an entry in ClinVar:

ClinVar aggregate classification (germline): Benign/Likely benign. Review status: criteria provided, multiple submitters, no conflicts (2 of 4 stars). 4 submissions from 4 submitters: Benign (2); Likely benign (1). 1 of the submissions does not count toward it. Last evaluated 2024-11-25.

Conditions:
DNHD1-related disorder. Also called: DNHD1-related condition.

Allele frequency attached by ClinVar (database versions not stated): 1000 Genomes Project 30x 0.00016; ESP Exome Variant Server 0.00153; gnomAD exomes 0.00186 and 0.00315; ExAC 0.00202; gnomAD 0.00228 and 0.00234; TOPMed 0.00246.
gnomAD v4.1: 4,781 of 1,551,600 alleles (0.31%); highest among the groups gnomAD compares: Non-Finnish European, 0.36%; 6 homozygotes.

Submissions (4):

Blueprint Genetics
Classification: Likely benign. Last evaluated: 2024-11-25. Review status: criteria provided, single submitter. Criteria: ACMG Guidelines, 2015. Collection method: clinical testing. Allele origin: germline.

Labcorp Genetics (formerly Invitae), Labcorp
Classification: Benign. Last evaluated: 2019-12-31. Review status: criteria provided, single submitter. Criteria: Invitae Variant Classification Sherloc (09022015). Collection method: clinical testing. Allele origin: germline.

Breakthrough Genomics
Classification: Benign. Review status: criteria provided, single submitter. Criteria: ACMG Guidelines, 2015. Collection method: not provided. Allele origin: germline. Inheritance: Autosomal recessive inheritance. Affected: yes.

PreventionGenetics, part of Exact Sciences
Classification: Likely benign for DNHD1-related condition. Last evaluated: 2019-02-21. Review status: no assertion criteria provided. Collection method: clinical testing. Allele origin: germline. Not counted in ClinVar's aggregate classification.
Comment: This variant is classified as likely benign based on ACMG/AMP sequence variant interpretation guidelines (Richards et al. 2015 PMID: 25741868, with internal and published modifications).

NM_144666.3(DNHD1):c.7575G>A (p.Leu2525=)

Gene: DNHD1 (dynein heavy chain domain 1; plus strand). Cytogenetic location: 11p15.4.
Variant type: single nucleotide variant.
Coding change: c.7575G>A on transcript NM_144666.3 (MANE Select); coding-DNA position 7575, G replaced by A.
Protein change: p.Leu2525=; no amino-acid change (leucine 2525 retained).
Molecular consequence: synonymous variant.
Genome position (GRCh38, 1-based): chr11:6,556,870, G>A. VCF-style: chr11-6556870-G-A. GRCh37 (hg19) VCF-style: chr11-6578100-G-A.
Identifiers: ClinVar variation 790457 (VCV000790457.8), dbSNP rs371880816, ClinGen allele CA5856242.